The following is an entry in ClinVar:

ClinVar aggregate classification (germline): Likely pathogenic (1 of 4 stars; one submission).

gnomAD v4.1: 2 of 152,176 alleles (0.0013%); highest among the groups gnomAD compares: Non-Finnish European, 0.0029%; no homozygotes.

Submission:

Labcorp Genetics (formerly Invitae), Labcorp
Classification: Likely pathogenic. Last evaluated: 2024-06-17. Review status: criteria provided, single submitter. Criteria: Invitae Variant Classification Sherloc (09022015). Collection method: clinical testing. Allele origin: germline.
Comment: This sequence change falls in intron 2 of the WISP3 gene. It does not directly change the encoded amino acid sequence of the WISP3 protein. This variant is not present in population databases (gnomAD no frequency). This variant has been observed in individual(s) with progressive pseudorheumatoid dysplasia (PMID: 22791401). In at least one individual the data is consistent with being in trans (on the opposite chromosome) from a pathogenic variant. ClinVar contains an entry for this variant (Variation ID: 2136453). Studies have shown that this variant is associated with altered splicing resulting in unknown protein product impact (PMID: 22791401). In summary, the currently available evidence indicates that the variant is pathogenic, but additional data are needed to prove that conclusively. Therefore, this variant has been classified as Likely Pathogenic.

Literature cited by the submitters: PubMed 22791401.

NM_198239.2(CCN6):c.49-763G>T

Gene: CCN6 (cellular communication network factor 6; plus strand). Cytogenetic location: 6q21.
Variant type: single nucleotide variant.
Coding change: c.49-763G>T on transcript NM_198239.2 (MANE Select); 763 bases into the intron before coding-DNA position 49, G replaced by T.
Molecular consequence: intron variant.
Genome position (GRCh38, 1-based): chr6:112,060,228, G>T. VCF-style: chr6-112060228-G-T. GRCh37 (hg19) VCF-style: chr6-112381431-G-T.
Other names: c.49-763G>T (NM_003880.4).
Identifiers: ClinVar variation 2136453 (VCV002136453.4), dbSNP rs1459489540, ClinGen allele CA1093227192.